The following is an entry in ClinVar:

ClinVar aggregate classification (germline): Uncertain significance. Review status: criteria provided, multiple submitters, no conflicts (2 of 4 stars). 4 submissions from 4 submitters: Uncertain significance (4). Last evaluated 2024-12-02.

Conditions:
Leukodystrophy and acquired microcephaly with or without dystonia;. Also called: Leukodystrophy and acquired microcephaly with or without dystonia. Identifiers: MedGen C4225213, MONDO:0014766, OMIM 616763.

Allele frequency attached by ClinVar (database versions not stated): 1000 Genomes Project 30x 0.00016; gnomAD 0.00018 and 0.00019; 1000 Genomes Project 0.00020; ExAC 0.00023; ESP Exome Variant Server 0.00023; gnomAD exomes 0.00025; TOPMed 0.00025.
gnomAD v4.1: 358 of 1,614,052 alleles (0.022%); highest among the groups gnomAD compares: Middle Eastern, 0.31%; 1 homozygote.

Submissions (4):

Labcorp Genetics (formerly Invitae), Labcorp
Classification: Uncertain significance. Last evaluated: 2024-12-02. Review status: criteria provided, single submitter. Criteria: Invitae Variant Classification Sherloc (09022015). Collection method: clinical testing. Allele origin: germline.
Comment: This sequence change replaces valine, which is neutral and non-polar, with isoleucine, which is neutral and non-polar, at codon 1016 of the PLEKHG2 protein (p.Val1016Ile). This variant is present in population databases (rs144287050, gnomAD 0.06%). This variant has not been reported in the literature in individuals affected with PLEKHG2-related conditions. ClinVar contains an entry for this variant (Variation ID: 1029863). An algorithm developed to predict the effect of missense changes on protein structure and function outputs the following: PolyPhen-2: "Benign". The isoleucine amino acid residue is found in multiple mammalian species, which suggests that this missense change does not adversely affect protein function. In summary, the available evidence is currently insufficient to determine the role of this variant in disease. Therefore, it has been classified as a Variant of Uncertain Significance.

Ambry Genetics
Classification: Uncertain significance. Last evaluated: 2021-09-15. Review status: criteria provided, single submitter. Criteria: Ambry Variant Classification Scheme 2023. Collection method: clinical testing. Allele origin: germline.

Revvity Omics, Revvity
Classification: Uncertain significance for Leukodystrophy and acquired microcephaly with or without dystonia;. Last evaluated: 2021-08-31. Review status: criteria provided, single submitter. Criteria: ACMG Guidelines, 2015. Collection method: clinical testing. Allele origin: germline.

Baylor Genetics
Classification: Uncertain significance for Leukodystrophy and acquired microcephaly with or without dystonia;. Last evaluated: 2019-12-19. Review status: criteria provided, single submitter. Criteria: ACMG Guidelines, 2015. Collection method: clinical testing. Allele origin: unknown. Affected: yes.
Comment: This variant was determined to be of uncertain significance according to ACMG Guidelines, 2015 [PMID:25741868].

NM_022835.3(PLEKHG2):c.3046G>A (p.Val1016Ile)

Gene: PLEKHG2 (pleckstrin homology and RhoGEF domain containing G2; plus strand). Cytogenetic location: 19q13.2.
Variant type: single nucleotide variant.
Coding change: c.3046G>A on transcript NM_022835.3 (MANE Select); coding-DNA position 3046, G replaced by A.
Protein change: p.Val1016Ile; replaces valine 1016 with isoleucine.
Molecular consequence: missense variant. On other transcripts: intron variant (1).
Genome position (GRCh38, 1-based): chr19:39,424,179, G>A. VCF-style: chr19-39424179-G-A. GRCh37 (hg19) VCF-style: chr19-39914819-G-A.
Other names: c.2869G>A, p.Val957Ile (NM_001351693.2); c.1678-1059G>A (NM_001351694.2); short protein forms V1016I, V957I.
Identifiers: ClinVar variation 1029863 (VCV001029863.9), dbSNP rs144287050, ClinGen allele CA9429922.